The following is an entry in ClinVar:

NM_016247.4(IMPG2):c.3417C>G (p.Pro1139=)

Gene: IMPG2 (interphotoreceptor matrix proteoglycan 2; minus strand). Cytogenetic location: 3q12.3.
Variant type: single nucleotide variant.
Coding change: c.3417C>G on transcript NM_016247.4 (MANE Select); coding-DNA position 3417, C replaced by G.
Protein change: p.Pro1139=; no amino-acid change (proline 1139 retained).
Molecular consequence: synonymous variant.
Genome position (GRCh38, 1-based): chr3:101,230,962, G>C on the plus strand (C>G on the coding strand, the complement: IMPG2 is on the minus strand). VCF-style: chr3-101230962-G-C. GRCh37 (hg19) VCF-style: chr3-100949806-G-C.
Other names: c.3417C>G (NM_016247.3).
Identifiers: ClinVar variation 1622582 (VCV001622582.9), dbSNP rs759836540, ClinGen allele CA2518767.
Genomic context (GRCh38, chr3:101,230,962, plus strand): 5'-ATAAATGTGTAAATGGAACATTGTATTCCATTAGAGAGCTCTTTTCCTTATTTACCTGAA[G>C]GGACTCTCTCTTTCACTCCTGTCATGGTGTGCTTGGAGAGTCCTGATGAAGAAGTAGATG-3'
Protein context (NP_057331.2, residues 1129-1149): AHHDRSERES[Pro1139=]FSGSSRQPDS

ClinVar aggregate classification (germline): Likely benign. Review status: criteria provided, multiple submitters, no conflicts (2 of 4 stars). 2 submissions from 2 submitters: Likely benign (2). Last evaluated 2025-01-23.

Conditions:
IMPG2-related disorder. Also called: IMPG2-related condition.

Allele frequency attached by ClinVar (database versions not stated): gnomAD exomes below 0.00001 and 0.00001; ExAC 0.00002.
gnomAD v4.1: 6 of 1,611,394 alleles (0.00037%); highest among the groups gnomAD compares: South Asian, 0.0011%; no homozygotes.

Submissions (2):

PreventionGenetics, part of Exact Sciences
Classification: Likely benign for IMPG2-related condition. Last evaluated: 2025-01-23. Review status: criteria provided, single submitter. Criteria: ACMG Guidelines, 2015. Collection method: clinical testing. Allele origin: germline.
Comment: This variant is classified as likely benign based on ACMG/AMP sequence variant interpretation guidelines (Richards et al. 2015 PMID: 25741868, with internal and published modifications).

Labcorp Genetics (formerly Invitae), Labcorp
Classification: Likely benign. Last evaluated: 2022-03-25. Review status: criteria provided, single submitter. Criteria: Invitae Variant Classification Sherloc (09022015). Collection method: clinical testing. Allele origin: germline.